The following is an entry in ClinVar:

NM_000379.4(XDH):c.340G>A (p.Gly114Arg)

Gene: XDH (xanthine dehydrogenase; minus strand). Cytogenetic location: 2p23.1.
Variant type: single nucleotide variant.
Coding change: c.340G>A on transcript NM_000379.4 (MANE Select); coding-DNA position 340, G replaced by A.
Protein change: p.Gly114Arg; replaces glycine 114 with arginine.
Molecular consequence: missense variant.
Genome position (GRCh38, 1-based): chr2:31,398,666, C>T on the plus strand (G>A on the coding strand, the complement: XDH is on the minus strand). VCF-style: chr2-31398666-C-T. GRCh37 (hg19) VCF-style: chr2-31621532-C-T.
Other names: short protein forms G114R.
Identifiers: ClinVar variation 652170 (VCV000652170.7), dbSNP rs770700444, ClinGen allele CA1599673.

ClinVar aggregate classification (germline): Uncertain significance. Review status: criteria provided, multiple submitters, no conflicts (2 of 4 stars). 2 submissions from 2 submitters: Uncertain significance (2). Last evaluated 2026-03-04.

Conditions:
Hereditary xanthinuria type 1 (XAN1). Identifiers: Orphanet 3467, Orphanet 93601, MedGen C0268118, MONDO:0010209, OMIM 278300.
Xanthinuria type II. Also called: Xanthine dehydrogenase and aldehyde oxidase combined deficiency of; XDH and AOX dual deficiency. Identifiers: Orphanet 3467, Orphanet 93602, MedGen C1863688, MONDO:0011346, OMIM 603592.

Allele frequency attached by ClinVar (database versions not stated): gnomAD 0.00001; gnomAD exomes 0.00001; TOPMed 0.00001; ExAC 0.00002.
gnomAD v4.1: 47 of 1,614,018 alleles (0.0029%); highest among the groups gnomAD compares: Non-Finnish European, 0.0036%; no homozygotes.

Submissions (2):

Kasturba Medical College, Manipal, Kasturba Medical College, Manipal, Manipal Academy of Higher Education, Manipal, India
Classification: Uncertain significance for Hereditary xanthinuria type 1. Last evaluated: 2026-03-04. Review status: criteria provided, single submitter. Criteria: ACMG Guidelines, 2015. Collection method: research. Allele origin: unknown. Inheritance: Autosomal recessive inheritance. Affected: yes.
Comment: This variant is absent in homozygous state and present in 47 individuals in heterozygous state (allele frequency: 0.00002912) in gnomAD (v4.1.0). This variant is absent in homozygous state and present in 2 individuals in heterozygous state in our in-house database of 3962 exomes. This variant has a single ClinVar submission and classified as a variant of uncertain significance, and the associated phenotypic information remains limited (ClinVar Accession ID: VCV000652170.6). In silico prediction tools (CADD Phred, REVEL and MutationTaster) are consistent in predicting the variant to be damaging to XDH protein function.

Labcorp Genetics (formerly Invitae), Labcorp
Classification: Uncertain significance for Xanthinuria type II. Last evaluated: 2021-08-27. Review status: criteria provided, single submitter. Criteria: Invitae Variant Classification Sherloc (09022015). Collection method: clinical testing. Allele origin: germline.
Comment: This sequence change replaces glycine with arginine at codon 114 of the XDH protein (p.Gly114Arg). The glycine residue is highly conserved and there is a moderate physicochemical difference between glycine and arginine. This variant is present in population databases (rs770700444, ExAC 0.01%). This variant has not been reported in the literature in individuals affected with XDH-related conditions. Algorithms developed to predict the effect of missense changes on protein structure and function (SIFT, PolyPhen-2, Align-GVGD) all suggest that this variant is likely to be disruptive. Algorithms developed to predict the effect of sequence changes on RNA splicing suggest that this variant may create or strengthen a splice site. In summary, the available evidence is currently insufficient to determine the role of this variant in disease. Therefore, it has been classified as a Variant of Uncertain Significance.